The following is an entry in ClinVar:

ClinVar aggregate classification (germline): Uncertain significance (1 of 4 stars; one submission).

Conditions:
Hereditary cancer-predisposing syndrome. Also called: Neoplastic Syndromes, Hereditary; Tumor predisposition; Hereditary Cancer Syndrome; Hereditary neoplastic syndrome. Identifiers: Orphanet 140162, MedGen C0027672, MeSH D009386, MONDO:0015356.

gnomAD v4.1: 1 of 1,614,098 alleles (0.000062%); highest among the groups gnomAD compares: Non-Finnish European, 0.000085%; no homozygotes.

Submission:

Ambry Genetics
Classification: Uncertain significance for Hereditary cancer-predisposing syndrome. Last evaluated: 2022-04-12. Review status: criteria provided, single submitter. Criteria: Ambry Variant Classification Scheme 2023. Collection method: clinical testing. Allele origin: germline.
Comment: The p.K675T variant (also known as c.2024A>C), located in coding exon 13 of the CDH1 gene, results from an A to C substitution at nucleotide position 2024. The lysine at codon 675 is replaced by threonine, an amino acid with similar properties. This amino acid position is conserved. In addition, this alteration is predicted to be tolerated by in silico analysis. Since supporting evidence is limited at this time, the clinical significance of this alteration remains unclear.

NM_004360.5(CDH1):c.2024A>C (p.Lys675Thr)

Gene: CDH1 (cadherin 1; plus strand). Cytogenetic location: 16q22.1.
Variant type: single nucleotide variant.
Coding change: c.2024A>C on transcript NM_004360.5 (MANE Select); coding-DNA position 2024, A replaced by C.
Protein change: p.Lys675Thr; replaces lysine 675 with threonine.
Molecular consequence: missense variant.
Genome position (GRCh38, 1-based): chr16:68,823,486, A>C. VCF-style: chr16-68823486-A-C. GRCh37 (hg19) VCF-style: chr16-68857389-A-C.
Other names: c.1841A>C, p.Lys614Thr (NM_001317184.2); c.476A>C, p.Lys159Thr (NM_001317185.2); c.59A>C, p.Lys20Thr (NM_001317186.2); short protein forms K159T, K675T, K20T, K614T.
Identifiers: ClinVar variation 1784620 (VCV001784620.2), dbSNP rs876660230, ClinGen allele CA396467693.
Genomic context (GRCh38, chr16:68,823,486, plus strand): 5'-AGATGGCCTTAGAGGTGGGTGACTACAAAATCAATCTCAAGCTCATGGATAACCAGAATA[A>C]AGACCAAGTGACCACCTTAGAGGTCAGCGTGTGTGACTGTGAAGGGGCCGCTGGCGTCTG-3'
Protein context (NP_004351.1, residues 665-685): INLKLMDNQN[Lys675Thr]DQVTTLEVSV